The following is an entry in ClinVar:

ClinVar aggregate classification (germline): Uncertain significance. Review status: criteria provided, multiple submitters, no conflicts (2 of 4 stars). 2 submissions from 2 submitters: Uncertain significance (2). Last evaluated 2025-06-13.

Conditions:
LRRC45-related disorder. Also called: LRRC45-related condition.

gnomAD v4.1: 19 of 1,612,342 alleles (0.0012%); highest among the groups gnomAD compares: African/African-American, 0.008%; no homozygotes.

Submissions (2):

PreventionGenetics, part of Exact Sciences
Classification: Uncertain significance for LRRC45-related condition. Last evaluated: 2025-06-13. Review status: criteria provided, single submitter. Criteria: ACMG Guidelines, 2015. Collection method: clinical testing. Allele origin: germline.
Comment: The LRRC45 c.1220G>A variant is predicted to result in the amino acid substitution p.Arg407Gln. To our knowledge, this variant has not been reported in the literature. This variant is reported in 0.0041% of alleles in individuals of African descent in gnomAD. At this time, the clinical significance of this variant is uncertain due to the absence of conclusive functional and genetic evidence.

Ambry Genetics
Classification: Uncertain significance. Last evaluated: 2024-10-24. Review status: criteria provided, single submitter. Criteria: Ambry Variant Classification Scheme 2023. Collection method: clinical testing. Allele origin: germline.

NM_144999.4(LRRC45):c.1220G>A (p.Arg407Gln)

Gene: LRRC45 (leucine rich repeat containing 45; plus strand). Cytogenetic location: 17q25.3.
Variant type: single nucleotide variant.
Coding change: c.1220G>A on transcript NM_144999.4 (MANE Select); coding-DNA position 1220, G replaced by A.
Protein change: p.Arg407Gln; replaces arginine 407 with glutamine.
Molecular consequence: missense variant.
Genome position (GRCh38, 1-based): chr17:82,028,491, G>A. VCF-style: chr17-82028491-G-A. GRCh37 (hg19) VCF-style: chr17-79986367-G-A.
Other names: c.1220G>A (NM_144999.2); short protein forms R407Q.
Identifiers: ClinVar variation 3356190 (VCV003356190.3).
Genomic context (GRCh38, chr17:82,028,491, plus strand): 5'-AGGAGCAGCTGTTCCAGACCAGGCAGGAGATGACCAGCATGTCAGCTGAGCTGAAGATGC[G>A]GGCCATCCAGGCCGAGGGTGGGCACGGGCAGGCCTGCTGTGGAGGGGCCTGGGGATGGGC-3'
Protein context (NP_659436.1, residues 397-417): MTSMSAELKM[Arg407Gln]AIQAEERLDM